The following is an entry in ClinVar:

NM_001042492.3(NF1):c.5365G>A (p.Glu1789Lys)

Gene: NF1 (neurofibromin 1; plus strand). Cytogenetic location: 17q11.2.
Variant type: single nucleotide variant.
Coding change: c.5365G>A on transcript NM_001042492.3 (MANE Select); coding-DNA position 5365, G replaced by A.
Protein change: p.Glu1789Lys; replaces glutamic acid 1789 with lysine.
Molecular consequence: missense variant.
Genome position (GRCh38, 1-based): chr17:31,327,595, G>A. VCF-style: chr17-31327595-G-A. GRCh37 (hg19) VCF-style: chr17-29654613-G-A.
Other names: c.5302G>A, p.Glu1768Lys (NM_000267.4); short protein forms E1768K, E1789K.
Identifiers: ClinVar variation 1746714 (VCV001746714.5), dbSNP rs1555533571, ClinGen allele CA399009274.

ClinVar aggregate classification (germline): Uncertain significance. Review status: criteria provided, multiple submitters, no conflicts (2 of 4 stars). 2 submissions from 2 submitters: Uncertain significance (2). Last evaluated 2023-12-08.

Conditions:
Cardiovascular phenotype. Identifiers: MedGen CN230736.
Hereditary cancer-predisposing syndrome. Also called: Neoplastic Syndromes, Hereditary; Tumor predisposition; Hereditary Cancer Syndrome; Hereditary neoplastic syndrome. Identifiers: Orphanet 140162, MedGen C0027672, MeSH D009386, MONDO:0015356.
Neurofibromatosis, type 1 (NF1). Also called: VON RECKLINGHAUSEN DISEASE; NEUROFIBROMATOSIS, TYPE I, SOMATIC; Neurofibromatosis, type I; Peripheral type neurofibromatosis. Identifiers: Orphanet 636, MedGen C0027831, MONDO:0018975, OMIM 162200. Disease mechanism: loss of function.

Submissions (2):

Labcorp Genetics (formerly Invitae), Labcorp
Classification: Uncertain significance for Neurofibromatosis, type 1. Last evaluated: 2023-12-08. Review status: criteria provided, single submitter. Criteria: Invitae Variant Classification Sherloc (09022015). Collection method: clinical testing. Allele origin: germline.
Comment: This sequence change replaces glutamic acid, which is acidic and polar, with lysine, which is basic and polar, at codon 1768 of the NF1 protein (p.Glu1768Lys). This variant is not present in population databases (gnomAD no frequency). This variant has not been reported in the literature in individuals affected with NF1-related conditions. ClinVar contains an entry for this variant (Variation ID: 1746714). Advanced modeling of protein sequence and biophysical properties (such as structural, functional, and spatial information, amino acid conservation, physicochemical variation, residue mobility, and thermodynamic stability) performed at Invitae indicates that this missense variant is expected to disrupt NF1 protein function with a positive predictive value of 95%. In summary, the available evidence is currently insufficient to determine the role of this variant in disease. Therefore, it has been classified as a Variant of Uncertain Significance.

Ambry Genetics
Classification: Uncertain significance for Cardiovascular phenotype; Hereditary cancer-predisposing syndrome. Last evaluated: 2021-02-03. Review status: criteria provided, single submitter. Criteria: Ambry Variant Classification Scheme 2023. Collection method: clinical testing. Allele origin: germline.
Comment: The p.E1768K variant (also known as c.5302G>A), located in coding exon 37 of the NF1 gene, results from a G to A substitution at nucleotide position 5302. The glutamic acid at codon 1768 is replaced by lysine, an amino acid with similar properties. This amino acid position is highly conserved in available vertebrate species. In addition, this alteration is predicted to be deleterious by in silico analysis. Since supporting evidence is limited at this time, the clinical significance of this alteration remains unclear.